The following is an entry in ClinVar:

NM_001001557.4(GDF6):c.643T>C (p.Phe215Leu)

Gene: GDF6 (growth differentiation factor 6; minus strand). Cytogenetic location: 8q22.1.
Variant type: single nucleotide variant.
Coding change: c.643T>C on transcript NM_001001557.4 (MANE Select); coding-DNA position 643, T replaced by C.
Protein change: p.Phe215Leu; replaces phenylalanine 215 with leucine.
Molecular consequence: missense variant.
Genome position (GRCh38, 1-based): chr8:96,145,288, A>G on the plus strand (T>C on the coding strand, the complement: GDF6 is on the minus strand). VCF-style: chr8-96145288-A-G. GRCh37 (hg19) VCF-style: chr8-97157516-A-G.
Other names: short protein forms F215L.
Identifiers: ClinVar variation 1361428 (VCV001361428.6), dbSNP rs2130207617, ClinGen allele CA371752172.
Genomic context (GRCh38, chr8:96,145,288, plus strand): 5'-CCCGCAGCTCCAAGCACAGCTGCTTCCAGGGCTGGTGGCGCAGGCCCTGCCACACGTCGA[A>G]GACTTCCCAGCCGGCCGGCGGCGCCCCCTGCGGGTCCAGGGTCCGCGCGTCCAGCAGTAG-3'
Protein context (NP_001001557.1, residues 205-225): QGAPPAGWEV[Phe215Leu]DVWQGLRHQP

ClinVar aggregate classification (germline): Uncertain significance (1 of 4 stars; one submission).

Conditions:
Klippel-Feil syndrome 1, autosomal dominant (KFS1). Also called: CERVICAL VERTEBRAL FUSION, AUTOSOMAL DOMINANT. Identifiers: Orphanet 2345, MedGen C1861689, MONDO:0007306, OMIM 118100.
Leber congenital amaurosis 17 (LCA17). Identifiers: Orphanet 65, MedGen C3715164, MONDO:0014145, OMIM 615360.
Isolated microphthalmia 4. Identifiers: Orphanet 2542, MedGen C2751307, MONDO:0013130, OMIM 613094.
Microphthalmia, isolated, with coloboma 6 (MCOPCB6). Also called: Microphthalmia with coloboma 6, digenic; Microphthalmia with coloboma 6; MICROPHTHALMIA/COLOBOMA 6. Identifiers: Orphanet 98938, MedGen C3150968, MONDO:0013376, OMIM 613703.

Allele frequency attached by ClinVar (database versions not stated): gnomAD exomes 0.00001.
gnomAD v4.1: 9 of 1,528,720 alleles (0.00059%); highest among the groups gnomAD compares: Non-Finnish European, 0.0007%; no homozygotes.

Submission:

Labcorp Genetics (formerly Invitae), Labcorp
Classification: Uncertain significance for Isolated microphthalmia 4; Leber congenital amaurosis 17; Klippel-Feil syndrome 1, autosomal dominant; Microphthalmia, isolated, with coloboma 6. Last evaluated: 2025-09-20. Review status: criteria provided, single submitter. Criteria: Invitae Variant Classification Sherloc (09022015). Collection method: clinical testing. Allele origin: germline.
Comment: This sequence change replaces phenylalanine, which is neutral and non-polar, with leucine, which is neutral and non-polar, at codon 215 of the GDF6 protein (p.Phe215Leu). This variant is not present in population databases (gnomAD no frequency). This variant has not been reported in the literature in individuals affected with GDF6-related conditions. ClinVar contains an entry for this variant (Variation ID: 1361428). Invitae Evidence Modeling of protein sequence and biophysical properties (such as structural, functional, and spatial information, amino acid conservation, physicochemical variation, residue mobility, and thermodynamic stability) indicates that this missense variant is not expected to disrupt GDF6 protein function with a negative predictive value of 80%. In summary, the available evidence is currently insufficient to determine the role of this variant in disease. Therefore, it has been classified as a Variant of Uncertain Significance.